The following is an entry in ClinVar:

NM_014000.3(VCL):c.1788A>C (p.Ser596=)

Gene: VCL (vinculin; plus strand). Cytogenetic location: 10q22.2.
Variant type: single nucleotide variant.
Coding change: c.1788A>C on transcript NM_014000.3 (MANE Select); coding-DNA position 1788, A replaced by C.
Protein change: p.Ser596=; no amino-acid change (serine 596 retained).
Molecular consequence: synonymous variant.
Genome position (GRCh38, 1-based): chr10:74,097,248, A>C. VCF-style: chr10-74097248-A-C. GRCh37 (hg19) VCF-style: chr10-75857006-A-C.
Other names: c.1788A>C, p.Ser596= (NM_003373.4).
Identifiers: ClinVar variation 45589 (VCV000045589.40), dbSNP rs199582103, ClinGen allele CA136721.
Genomic context (GRCh38, chr10:74,097,248, plus strand): 5'-AAACAATGTTTTTAAGGATCTAAAAGCTCGGATGCAGGAGGCCATGACTCAGGAAGTGTC[A>C]GATGTTTTCAGCGATACCACAACTCCCATCAAGCTGTTGGCAGTGGCAGCCACGGCGCCT-3'
Protein context (NP_054706.1, residues 586-606): RMQEAMTQEV[Ser596=]DVFSDTTTPI

ClinVar aggregate classification (germline): Benign/Likely benign. Review status: criteria provided, multiple submitters, no conflicts (2 of 4 stars). 8 submissions from 8 submitters: Benign (2); Likely benign (5). 1 of the submissions does not count toward it. Last evaluated 2026-01-26.

Conditions:
VCL-related disorder. Also called: VCL-related condition.
Cardiovascular phenotype. Identifiers: MedGen CN230736.
Dilated cardiomyopathy 1W (CMD1W). Identifiers: Orphanet 154, MedGen C1969639, MONDO:0012667, OMIM 611407.

Allele frequency attached by ClinVar (database versions not stated): TOPMed 0.00005; ESP Exome Variant Server 0.00008; ExAC 0.00016; gnomAD exomes 0.00016 and 0.00017; gnomAD 0.00019 and 0.00021.
gnomAD v4.1: 253 of 1,614,040 alleles (0.016%); highest among the groups gnomAD compares: Non-Finnish European, 0.014%; no homozygotes.

Submissions (8):

Labcorp Genetics (formerly Invitae), Labcorp
Classification: Benign for Dilated cardiomyopathy 1W. Last evaluated: 2026-01-26. Review status: criteria provided, single submitter. Criteria: Invitae Variant Classification Sherloc (09022015). Collection method: clinical testing. Allele origin: germline.

CeGaT Center for Human Genetics Tuebingen
Classification: Likely benign. Last evaluated: 2025-09-01. Review status: criteria provided, single submitter. Criteria: CeGaT Center For Human Genetics Tuebingen Variant Classification Criteria Version 2. Collection method: clinical testing. Allele origin: germline. Affected: yes. Observed: 1 variant allele.
Comment: VCL: BP4, BP7

Laboratory of Genetics, Children's Clinical University Hospital Latvia
Classification: Likely benign. Last evaluated: 2025-02-16. Review status: criteria provided, single submitter. Criteria: ACMG Guidelines, 2015. Collection method: clinical testing. Allele origin: germline. Affected: yes.

Blueprint Genetics
Classification: Likely benign. Last evaluated: 2024-11-18. Review status: criteria provided, single submitter. Criteria: ACMG Guidelines, 2015. Collection method: clinical testing. Allele origin: germline.

Ambry Genetics
Classification: Likely benign for Cardiovascular phenotype. Last evaluated: 2020-03-18. Review status: criteria provided, single submitter. Criteria: Ambry Variant Classification Scheme 2023. Collection method: clinical testing. Allele origin: germline.

Women's Health and Genetics/Laboratory Corporation of America, LabCorp
Classification: Benign. Last evaluated: 2017-05-30. Review status: criteria provided, single submitter. Criteria: LabCorp Variant Classification Summary - May 2015. Collection method: clinical testing. Allele origin: germline.
Comment: Variant summary: The c.1788A>C (p.Ser596=) in VCL gene is a synonymous change that involves a non-conserved nucleotide. 5/5 programs in Alamut predict that this variant does not have a major effect on a normal splicing, however no functional studies supporting this notion were published at the time of evaluation. The variant is present in control population dataset of ExAC at a frequency of 0.0001648 (20/121354 chrs tested). This frequency exceeds the estimated maximal expected allele frequency of a pathogenic variant in VCL gene (0.000025). The variant has not been reported in affected individuals, but is cited as Likely Benign by a reputable database/diagnostic center. Taking together, the variant was classified as Benign.

Laboratory for Molecular Medicine, Mass General Brigham Personalized Medicine
Classification: Likely benign. Last evaluated: 2010-09-14. Review status: criteria provided, single submitter. Criteria: LMM Criteria. Collection method: clinical testing. Allele origin: germline. Observed: 1 variant allele.

PreventionGenetics, part of Exact Sciences
Classification: Likely benign for VCL-related condition. Last evaluated: 2020-10-05. Review status: no assertion criteria provided. Collection method: clinical testing. Allele origin: germline. Not counted in ClinVar's aggregate classification.
Comment: This variant is classified as likely benign based on ACMG/AMP sequence variant interpretation guidelines (Richards et al. 2015 PMID: 25741868, with internal and published modifications).